The following is an entry in ClinVar:

ClinVar aggregate classification (germline): Likely benign. Review status: criteria provided, multiple submitters, no conflicts (2 of 4 stars). 4 submissions from 4 submitters: Likely benign (4). Last evaluated 2026-07-09.

Conditions:
CABP4-related disorder. Also called: CABP4-related condition.
Inborn genetic diseases. Identifiers: MedGen C0950123, MeSH D030342.

Allele frequency attached by ClinVar (database versions not stated): gnomAD 0.00003; TOPMed 0.00003; 1000 Genomes Project 30x 0.00016; 1000 Genomes Project 0.00020.
gnomAD v4.1: 42 of 1,613,192 alleles (0.0026%); highest among the groups gnomAD compares: East Asian, 0.013%; no homozygotes.

Submissions (4):

PreventionGenetics, part of Exact Sciences
Classification: Likely benign for CABP4-related condition. Last evaluated: 2026-07-09. Review status: criteria provided, single submitter. Criteria: ACMG Guidelines, 2015. Collection method: clinical testing. Allele origin: germline.
Comment: This variant is classified as likely benign based on ACMG/AMP sequence variant interpretation guidelines (Richards et al. 2015 PMID: 25741868, with internal and published modifications).

Ambry Genetics
Classification: Likely benign for Inborn genetic diseases. Last evaluated: 2026-05-10. Review status: criteria provided, single submitter. Criteria: Ambry Variant Classification Scheme 2023. Collection method: clinical testing. Allele origin: germline.

Labcorp Genetics (formerly Invitae), Labcorp
Classification: Likely benign. Last evaluated: 2024-11-09. Review status: criteria provided, single submitter. Criteria: Invitae Variant Classification Sherloc (09022015). Collection method: clinical testing. Allele origin: germline.

Blueprint Genetics
Classification: Likely benign. Last evaluated: 2024-02-19. Review status: criteria provided, single submitter. Criteria: ACMG Guidelines, 2015. Collection method: clinical testing. Allele origin: germline.

NM_145200.5(CABP4):c.372C>T (p.Arg124=)

Gene: CABP4 (calcium binding protein 4; plus strand). Cytogenetic location: 11q13.2.
Variant type: single nucleotide variant.
Coding change: c.372C>T on transcript NM_145200.5 (MANE Select); coding-DNA position 372, C replaced by T.
Protein change: p.Arg124=; no amino-acid change (arginine 124 retained).
Molecular consequence: synonymous variant.
Genome position (GRCh38, 1-based): chr11:67,456,193, C>T. VCF-style: chr11-67456193-C-T. GRCh37 (hg19) VCF-style: chr11-67223664-C-T.
Other names: c.372C>T (NM_145200.3); c.57C>T, p.Arg19= (NM_001300895.3, NM_001300896.3, NM_001379183.1).
Identifiers: ClinVar variation 1147934 (VCV001147934.12), dbSNP rs199875527, ClinGen allele CA6140185.
Genomic context (GRCh38, chr11:67,456,193, plus strand): 5'-AAGGATGACAGAGCCGTGGCTGGCCCTGGGGACATCCTGGACTCTCCCCCTGCAGGACCG[C>T]GAACTGGGCCCCGAGGAGCTAGACGGTGAGTGGCTCTTGCTGCTGGCAGGGGGTGGGAGC-3'
Protein context (NP_660201.1, residues 114-134): PLLNRVFGKD[Arg124=]ELGPEELDEL